The following is an entry in ClinVar:

ClinVar aggregate classification (germline): Uncertain significance (1 of 4 stars; one submission).

Allele frequency attached by ClinVar (database versions not stated): TOPMed 0.00001; gnomAD exomes below 0.00001.
gnomAD v4.1: 1 of 1,614,142 alleles (0.000062%); highest among the groups gnomAD compares: Non-Finnish European, 0.000085%; no homozygotes.

Submission:

Labcorp Genetics (formerly Invitae), Labcorp
Classification: Uncertain significance. Last evaluated: 2025-05-18. Review status: criteria provided, single submitter. Criteria: Invitae Variant Classification Sherloc (09022015). Collection method: clinical testing. Allele origin: germline.
Comment: This sequence change replaces serine, which is neutral and polar, with isoleucine, which is neutral and non-polar, at codon 205 of the IL12RB2 protein (p.Ser205Ile). This variant is not present in population databases (gnomAD no frequency). This variant has not been reported in the literature in individuals affected with IL12RB2-related conditions. ClinVar contains an entry for this variant (Variation ID: 1359017). An algorithm developed to predict the effect of missense changes on protein structure and function (PolyPhen-2) suggests that this variant is likely to be disruptive. In summary, the available evidence is currently insufficient to determine the role of this variant in disease. Therefore, it has been classified as a Variant of Uncertain Significance.

NM_001374259.2(IL12RB2):c.614G>T (p.Ser205Ile)

Gene: IL12RB2 (interleukin 12 receptor subunit beta 2; plus strand). Cytogenetic location: 1p31.3.
Variant type: single nucleotide variant.
Coding change: c.614G>T on transcript NM_001374259.2 (MANE Select); coding-DNA position 614, G replaced by T.
Protein change: p.Ser205Ile; replaces serine 205 with isoleucine.
Molecular consequence: missense variant. On other transcripts: non-coding transcript variant (2).
Genome position (GRCh38, 1-based): chr1:67,328,334, G>T. VCF-style: chr1-67328334-G-T. GRCh37 (hg19) VCF-style: chr1-67794017-G-T.
Other names: c.614G>T, p.Ser205Ile (NM_001258214.1, NM_001258215.1, NM_001258216.1 and 2 more transcripts); short protein forms S205I.
Identifiers: ClinVar variation 1359017 (VCV001359017.8), dbSNP rs1657607347, ClinGen allele CA340733219.